The following is an entry in ClinVar:

NM_002907.4(RECQL):c.77A>G (p.Gln26Arg)

Gene: RECQL (RecQ like helicase; minus strand). Cytogenetic location: 12p12.1.
Variant type: single nucleotide variant.
Coding change: c.77A>G on transcript NM_002907.4 (MANE Select); coding-DNA position 77, A replaced by G.
Protein change: p.Gln26Arg; replaces glutamine 26 with arginine.
Molecular consequence: missense variant.
Genome position (GRCh38, 1-based): chr12:21,491,656, T>C on the plus strand (A>G on the coding strand, the complement: RECQL is on the minus strand). VCF-style: chr12-21491656-T-C. GRCh37 (hg19) VCF-style: chr12-21644590-T-C.
Other names: c.77A>G, p.Gln26Arg (NM_032941.3); short protein forms Q26R.
Identifiers: ClinVar variation 2615781 (VCV002615781.3), dbSNP rs2540405593, ClinGen allele CA384134616.

ClinVar aggregate classification (germline): Uncertain significance (1 of 4 stars; one submission).

Submission:

Ambry Genetics
Classification: Uncertain significance. Last evaluated: 2025-09-01. Review status: criteria provided, single submitter. Criteria: Ambry Variant Classification Scheme 2023. Collection method: clinical testing. Allele origin: germline.
Comment: The p.Q26R variant (also known as c.77A>G), located in coding exon 2 of the RECQL gene, results from an A to G substitution at nucleotide position 77. The glutamine at codon 26 is replaced by arginine, an amino acid with highly similar properties. This amino acid position is conserved. In addition, the in silico prediction for this alteration is inconclusive. Based on the available evidence, the clinical significance of this variant remains unclear.